The following is an entry in ClinVar:

NM_206933.4(USH2A):c.870T>A (p.Ser290=)

Gene: USH2A (usherin; minus strand). Cytogenetic location: 1q41.
Variant type: single nucleotide variant.
Coding change: c.870T>A on transcript NM_206933.4 (MANE Select); coding-DNA position 870, T replaced by A.
Protein change: p.Ser290=; no amino-acid change (serine 290 retained).
Molecular consequence: synonymous variant.
Genome position (GRCh38, 1-based): chr1:216,325,578, A>T on the plus strand (T>A on the coding strand, the complement: USH2A is on the minus strand). VCF-style: chr1-216325578-A-T. GRCh37 (hg19) VCF-style: chr1-216498920-A-T.
Other names: c.870T>A, p.Ser290= (NM_007123.6).
Identifiers: ClinVar variation 228225 (VCV000228225.5), dbSNP rs876657630, ClinGen allele CA10576389.
Genomic context (GRCh38, chr1:216,325,578, plus strand): 5'-CCGCGGGTGGCTGCCAGGGCAACGGCAATGTGATTGGGCATGCAATCTGAGAAGATCTCC[A>T]GAGAAGACTTCCAGAATCTCTCTGTGGGAGTCAAGAGGGAGACTGTAAGGACAAAGAGCT-3'
Protein context (NP_996816.3, residues 280-300): LTNREILEVF[Ser290=]GDLLRLHAQS

ClinVar aggregate classification (germline): Likely benign (1 of 4 stars; one submission).

Submission:

Laboratory for Molecular Medicine, Mass General Brigham Personalized Medicine
Classification: Likely benign. Last evaluated: 2016-03-15. Review status: criteria provided, single submitter. Criteria: LMM Criteria. Collection method: clinical testing. Allele origin: germline. Observed: 1 variant allele.
Comment: p.Ser290Ser in exon 6 of USH2A: This variant is not expected to have clinical si gnificance because it does not alter an amino acid residue and is not located wi thin the splice consensus sequence.